The following is an entry in ClinVar:

ClinVar aggregate classification (germline): Uncertain significance (1 of 4 stars; one submission).

Submission:

Greenwood Genetic Center Diagnostic Laboratories, Greenwood Genetic Center
Classification: Uncertain significance. Last evaluated: 2024-12-11. Review status: criteria provided, single submitter. Criteria: ACMG Guidelines, 2015. Collection method: clinical testing. Allele origin: germline. Affected: yes.
Comment: PM2, BP4, PP2

NM_001270.4(CHD1):c.3260G>C (p.Gly1087Ala)

Gene: CHD1 (chromodomain helicase DNA binding protein 1; minus strand). Cytogenetic location: 5q15.
Variant type: single nucleotide variant.
Coding change: c.3260G>C on transcript NM_001270.4 (MANE Select); coding-DNA position 3260, G replaced by C.
Protein change: p.Gly1087Ala; replaces glycine 1087 with alanine.
Molecular consequence: missense variant. On other transcripts: non-coding transcript variant (2).
Genome position (GRCh38, 1-based): chr5:98,876,536, C>G on the plus strand (G>C on the coding strand, the complement: CHD1 is on the minus strand). VCF-style: chr5-98876536-C-G. GRCh37 (hg19) VCF-style: chr5-98212240-C-G.
Other names: c.3260G>C, p.Gly1087Ala (NM_001364113.3, NM_001376194.2); short protein forms G1087A.
Identifiers: ClinVar variation 3765815 (VCV003765815.1).